The following is an entry in ClinVar:

ClinVar aggregate classification (germline): Conflicting classifications of pathogenicity. Review status: criteria provided, conflicting classifications (1 of 4 stars). 3 submissions from 3 submitters: Uncertain significance (2); Benign (1). Last evaluated 2026-05-21.

Conditions:
Intellectual developmental disorder, X-linked 19. Also called: Intellectual disability, X-linked 19. Identifiers: Orphanet 777, MedGen C0796225, MONDO:0010447, OMIM 300844.
Coffin-Lowry syndrome (CLS). Also called: COFFIN-LOWRY SYNDROME, MILD; Mental retardation with osteocartilaginous abnormalities. Identifiers: Orphanet 192, MedGen C0265252, MONDO:0010561, OMIM 303600.
RPS6KA3-related disorder. Also called: RPS6KA3-related condition.

Allele frequency attached by ClinVar (database versions not stated): gnomAD exomes 0.00001; TOPMed 0.00001.
gnomAD v4.1: 2 of 1,153,625 alleles (0.00017%); highest among the groups gnomAD compares: Admixed American, 0.0026%; no homozygotes.

Submissions (3):

PreventionGenetics, part of Exact Sciences
Classification: Uncertain significance for RPS6KA3-related condition. Last evaluated: 2026-05-21. Review status: criteria provided, single submitter. Criteria: ACMG Guidelines, 2015. Collection method: clinical testing. Allele origin: germline.
Comment: The RPS6KA3 c.48G>C variant is predicted to result in the amino acid substitution p.Glu16Asp. To our knowledge, this variant has not been reported in the literature. This variant is reported in 0.0053% of alleles in individuals of Latino descent in gnomAD. At this time, the clinical significance of this variant is uncertain due to the absence of conclusive functional and genetic evidence.

Labcorp Genetics (formerly Invitae), Labcorp
Classification: Benign for Coffin-Lowry syndrome; Intellectual developmental disorder, X-linked 19. Last evaluated: 2022-12-23. Review status: criteria provided, single submitter. Criteria: Invitae Variant Classification Sherloc (09022015). Collection method: clinical testing. Allele origin: germline.

GeneDx
Classification: Uncertain significance. Last evaluated: 2021-08-05. Review status: criteria provided, single submitter. Criteria: GeneDx Variant Classification Process June 2021. Collection method: clinical testing. Allele origin: germline. Affected: yes.
Comment: In silico analysis supports that this missense variant does not alter protein structure/function; Has not been previously published as pathogenic or benign to our knowledge

NM_004586.3(RPS6KA3):c.48G>C (p.Glu16Asp)

Genes: RPS6KA3 (ribosomal protein S6 kinase A3; minus strand), LOC130068032 (ATAC-STARR-seq lymphoblastoid silent region 20696; plus strand). Cytogenetic location: Xp22.12.
Variant type: single nucleotide variant.
Coding change: c.48G>C on transcript NM_004586.3 (MANE Select); coding-DNA position 48, G replaced by C.
Protein change: p.Glu16Asp; replaces glutamic acid 16 with aspartic acid.
Molecular consequence: missense variant.
Genome position (GRCh38, 1-based): chrX:20,266,585, C>G on the plus strand (G>C on the coding strand, the complement: RPS6KA3 is on the minus strand). VCF-style: chrX-20266585-C-G. GRCh37 (hg19) VCF-style: chrX-20284703-C-G.
Other names: short protein forms E16D.
Identifiers: ClinVar variation 1223231 (VCV001223231.7), dbSNP rs1327104134, ClinGen allele CA412510513.